The following is an entry in ClinVar:

NM_207361.6(FREM2):c.5714G>A (p.Arg1905Lys)

Gene: FREM2 (FRAS1 related extracellular matrix 2; plus strand). Cytogenetic location: 13q13.3.
Variant type: single nucleotide variant.
Coding change: c.5714G>A on transcript NM_207361.6 (MANE Select); coding-DNA position 5714, G replaced by A.
Protein change: p.Arg1905Lys; replaces arginine 1905 with lysine.
Molecular consequence: missense variant.
Genome position (GRCh38, 1-based): chr13:38,783,142, G>A. VCF-style: chr13-38783142-G-A. GRCh37 (hg19) VCF-style: chr13-39357279-G-A.
Other names: short protein forms R1905K.
Identifiers: ClinVar variation 3032200 (VCV003032200.2), dbSNP rs1471051703, ClinGen allele CA387884582.

ClinVar aggregate classification (germline): Uncertain significance (0 of 4 stars; one submission).

Conditions:
FREM2-related disorder. Also called: FREM2-related condition.

Allele frequency attached by ClinVar (database versions not stated): gnomAD exomes 0.00001.
gnomAD v4.1: 11 of 1,614,028 alleles (0.00068%); highest among the groups gnomAD compares: Non-Finnish European, 0.00093%; no homozygotes.

Submission:

PreventionGenetics, part of Exact Sciences
Classification: Uncertain significance for FREM2-related condition. Last evaluated: 2024-02-21. Review status: no assertion criteria provided. Collection method: clinical testing. Allele origin: germline.
Comment: The FREM2 c.5714G>A variant is predicted to result in the amino acid substitution p.Arg1905Lys. To our knowledge, this variant has not been reported in the literature. This variant is reported in 0.0018% of alleles in individuals of European (Non-Finnish) descent in gnomAD. At this time, the clinical significance of this variant is uncertain due to the absence of conclusive functional and genetic evidence.